The following is an entry in ClinVar:

ClinVar aggregate classification (germline): Likely benign (1 of 4 stars; one submission).

Allele frequency attached by ClinVar (database versions not stated): 1000 Genomes Project 30x 0.00047; 1000 Genomes Project 0.00060; ExAC 0.00078; gnomAD 0.00080; TOPMed 0.00086; ESP Exome Variant Server 0.00102; gnomAD exomes 0.00128.
gnomAD v4.1: 1,973 of 1,610,930 alleles (0.12%); highest among the groups gnomAD compares: Non-Finnish European, 0.16%; 1 homozygote.

Submission:

CeGaT Center for Human Genetics Tuebingen
Classification: Likely benign. Last evaluated: 2023-03-01. Review status: criteria provided, single submitter. Criteria: CeGaT Center For Human Genetics Tuebingen Variant Classification Criteria Version 2. Collection method: clinical testing. Allele origin: germline. Affected: yes. Observed: 1 variant allele.
Comment: SNED1: BP4, BP7

NM_001080437.3(SNED1):c.576G>A (p.Val192=)

Genes: SNED1 (sushi, nidogen and EGF like domains 1; plus strand), SNED1-AS1 (SNED1 antisense RNA 1; minus strand). Cytogenetic location: 2q37.3.
Variant type: single nucleotide variant.
Coding change: c.576G>A on transcript NM_001080437.3 (MANE Select); coding-DNA position 576, G replaced by A.
Protein change: p.Val192=; no amino-acid change (valine 192 retained).
Molecular consequence: synonymous variant.
Genome position (GRCh38, 1-based): chr2:241,033,809, G>A. VCF-style: chr2-241033809-G-A. GRCh37 (hg19) VCF-style: chr2-241973226-G-A.
Identifiers: ClinVar variation 2652103 (VCV002652103.24), dbSNP rs142239951, ClinGen allele CA2210731.